The following is an entry in ClinVar:

NM_018389.5(SLC35C1):c.866A>G (p.Lys289Arg)

Gene: SLC35C1 (solute carrier family 35 member C1; plus strand). Cytogenetic location: 11p11.2.
Variant type: single nucleotide variant.
Coding change: c.866A>G on transcript NM_018389.5 (MANE Select); coding-DNA position 866, A replaced by G.
Protein change: p.Lys289Arg; replaces lysine 289 with arginine.
Molecular consequence: missense variant.
Genome position (GRCh38, 1-based): chr11:45,811,106, A>G. VCF-style: chr11-45811106-A-G. GRCh37 (hg19) VCF-style: chr11-45832657-A-G.
Other names: c.827A>G, p.Lys276Arg (NM_001145265.2, NM_001145266.2); short protein forms K276R, K289R.
Identifiers: ClinVar variation 1025105 (VCV001025105.8), dbSNP rs2085939659, ClinGen allele CA380206496.
Genomic context (GRCh38, chr11:45,811,106, plus strand): 5'-TGATGACGCTGGGCGGCCTGTTTGGCTTTGCCATCGGCTACGTGACAGGACTGCAGATCA[A>G]GTTCACCAGTCCGCTGACCCACAATGTGTCGGGCACGGCCAAGGCCTGTGCCCAGACAGT-3'
Protein context (NP_060859.4, residues 279-299): AIGYVTGLQI[Lys289Arg]FTSPLTHNVS

ClinVar aggregate classification (germline): Uncertain significance (1 of 4 stars; one submission).

Conditions:
Leukocyte adhesion deficiency type II. Also called: Congenital disorder of glycosylation type 2C; CDG 2C; Leukocyte adhesion deficiency type 2; Rambam Hasharon syndrome; CONGENITAL DISORDER OF GLYCOSYLATION, TYPE IIc; CDG IIc. Identifiers: Orphanet 2968, Orphanet 99843, MedGen C0398739, MONDO:0009953, OMIM 266265.

Allele frequency attached by ClinVar (database versions not stated): gnomAD exomes below 0.00001.
gnomAD v4.1: 1 of 1,613,248 alleles (0.000062%); highest among the groups gnomAD compares: Middle Eastern, 0.016%; no homozygotes.

Submission:

Labcorp Genetics (formerly Invitae), Labcorp
Classification: Uncertain significance for Leukocyte adhesion deficiency type II. Last evaluated: 2022-05-16. Review status: criteria provided, single submitter. Criteria: Invitae Variant Classification Sherloc (09022015). Collection method: clinical testing. Allele origin: germline.
Comment: In summary, the available evidence is currently insufficient to determine the role of this variant in disease. Therefore, it has been classified as a Variant of Uncertain Significance. Algorithms developed to predict the effect of missense changes on protein structure and function (SIFT, PolyPhen-2, Align-GVGD) all suggest that this variant is likely to be tolerated. ClinVar contains an entry for this variant (Variation ID: 1025105). This variant has not been reported in the literature in individuals affected with SLC35C1-related conditions. This variant is not present in population databases (gnomAD no frequency). This sequence change replaces lysine, which is basic and polar, with arginine, which is basic and polar, at codon 289 of the SLC35C1 protein (p.Lys289Arg).